The following is an entry in ClinVar:

ClinVar aggregate classification (germline): Conflicting classifications of pathogenicity. Review status: criteria provided, conflicting classifications (1 of 4 stars). 4 submissions from 4 submitters: Uncertain significance (1); Likely benign (2). 1 of the submissions does not count toward it. Last evaluated 2026-01-26.

Conditions:
JAK3-related disorder. Also called: JAK3-related condition.
T-B+ severe combined immunodeficiency due to JAK3 deficiency. Also called: SCID, autosomal recessive, T-negative/B-positive type; SCID, T CELL-NEGATIVE, B CELL-POSITIVE, NK CELL-NEGATIVE. Identifiers: Orphanet 35078, MedGen C1833275, MONDO:0010938, OMIM 600802.

Allele frequency attached by ClinVar (database versions not stated): gnomAD exomes 0.00004 and 0.00014; TOPMed 0.00005; gnomAD 0.00008 and 0.00009; ExAC 0.00011; 1000 Genomes Project 0.00020; 1000 Genomes Project 30x 0.00031.
gnomAD v4.1: 73 of 1,614,148 alleles (0.0045%); highest among the groups gnomAD compares: East Asian, 0.1%; no homozygotes.

Submissions (4):

Labcorp Genetics (formerly Invitae), Labcorp
Classification: Likely benign for T-B+ severe combined immunodeficiency due to JAK3 deficiency. Last evaluated: 2026-01-26. Review status: criteria provided, single submitter. Criteria: Invitae Variant Classification Sherloc (09022015). Collection method: clinical testing. Allele origin: germline.

Blueprint Genetics
Classification: Likely benign. Last evaluated: 2020-11-25. Review status: criteria provided, single submitter. Criteria: ACMG Guidelines, 2015. Collection method: clinical testing. Allele origin: germline.

Illumina Laboratory Services, Illumina
Classification: Uncertain significance for T-B+ severe combined immunodeficiency due to JAK3 deficiency. Last evaluated: 2018-01-13. Review status: criteria provided, single submitter. Criteria: ICSL Variant Classification Criteria 13 December 2019. Collection method: clinical testing. Allele origin: germline.

PreventionGenetics, part of Exact Sciences
Classification: Likely benign for JAK3-related condition. Last evaluated: 2020-05-05. Review status: no assertion criteria provided. Collection method: clinical testing. Allele origin: germline. Not counted in ClinVar's aggregate classification.
Comment: This variant is classified as likely benign based on ACMG/AMP sequence variant interpretation guidelines (Richards et al. 2015 PMID: 25741868, with internal and published modifications).

NM_000215.4(JAK3):c.2097G>A (p.Ala699=)

Gene: JAK3 (Janus kinase 3; minus strand). Cytogenetic location: 19p13.11.
Variant type: single nucleotide variant.
Coding change: c.2097G>A on transcript NM_000215.4 (MANE Select); coding-DNA position 2097, G replaced by A.
Protein change: p.Ala699=; no amino-acid change (alanine 699 retained).
Molecular consequence: synonymous variant.
Genome position (GRCh38, 1-based): chr19:17,834,954, C>T on the plus strand (G>A on the coding strand, the complement: JAK3 is on the minus strand). VCF-style: chr19-17834954-C-T. GRCh37 (hg19) VCF-style: chr19-17945763-C-T.
Identifiers: ClinVar variation 328506 (VCV000328506.14), dbSNP rs571402316, ClinGen allele CA9301680.